The following is an entry in ClinVar:

NC_000017.10:g.(?_56295971)_(56296882_?)del

Gene: MKS1 (MKS transition zone complex subunit 1; minus strand). Cytogenetic location: 17q22.
Variant type: Deletion.
Identifiers: ClinVar variation 1454042 (VCV001454042.5).

ClinVar aggregate classification (germline): Pathogenic (1 of 4 stars; one submission).

Conditions:
Meckel-Gruber syndrome. Also called: DYSENCEPHALIA SPLANCHNOCYSTICA; GRUBER SYNDROME; Dysencephalia splachnocystica. Identifiers: Orphanet 564, MedGen C0265215, MONDO:0018921.
Joubert syndrome. Also called: CEREBELLOPARENCHYMAL DISORDER IV; JOUBERT-BOLTSHAUSER SYNDROME; Familial aplasia of the vermis. Identifiers: Orphanet 475, MedGen C5979921, MONDO:0018772.

Submission:

Labcorp Genetics (formerly Invitae), Labcorp
Classification: Pathogenic for Joubert syndrome; Meckel-Gruber syndrome. Last evaluated: 2021-05-17. Review status: criteria provided, single submitter. Criteria: Invitae Variant Classification Sherloc (09022015). Collection method: clinical testing. Allele origin: germline.
Comment: This variant is a gross deletion of the genomic region encompassing exon(s) 1-2 of the MKS1 gene, which includes the initiator codon. The 5' end of this event is unknown as it extends beyond the assayed region for this gene and therefore may encompass additional genes. The 3' boundary is likely confined to intron 2 of the MKS1 gene. It is expected to result in an absent or disrupted protein product. Loss-of-function variants in MKS1 are known to be pathogenic (PMID: 19466712, 24886560, 26490104). This variant has not been reported in the literature in individuals with MKS1-related conditions. For these reasons, this variant has been classified as Pathogenic.

Literature cited by the submitters: PubMed 19466712; PubMed 24886560; PubMed 26490104.